The following is an entry in ClinVar:

NM_014251.3(SLC25A13):c.1311C>A (p.Cys437Ter)

Gene: SLC25A13 (solute carrier family 25 member 13; minus strand). Cytogenetic location: 7q21.3.
Variant type: single nucleotide variant.
Coding change: c.1311C>A on transcript NM_014251.3 (MANE Select); coding-DNA position 1311, C replaced by A.
Protein change: p.Cys437Ter; replaces cysteine 437 with a stop codon.
Molecular consequence: nonsense. On other transcripts: non-coding transcript variant (1).
Genome position (GRCh38, 1-based): chr7:96,170,045, G>T on the plus strand (C>A on the coding strand, the complement: SLC25A13 is on the minus strand). VCF-style: chr7-96170045-G-T. GRCh37 (hg19) VCF-style: chr7-95799357-G-T.
Other names: c.1314C>A, p.Cys438Ter (NM_001160210.2); short protein forms C437*, C438*.
Identifiers: ClinVar variation 1069536 (VCV001069536.8), dbSNP rs879255502, ClinGen allele CA368258371.

ClinVar aggregate classification (germline): Pathogenic/Likely pathogenic. Review status: criteria provided, multiple submitters, no conflicts (2 of 4 stars). 2 submissions from 2 submitters: Pathogenic (1); Likely pathogenic (1). Last evaluated 2023-12-18.

Conditions:
Citrullinemia, type II, adult-onset (CDAA). Also called: CITRIN DEFICIENCY, ADOLESCENT OR ADULT ONSET. Identifiers: Orphanet 247585, MedGen CN295299, MONDO:0011326, OMIM 603471.
Citrin deficiency. Identifiers: Orphanet 247582, MedGen C1997910, MONDO:0016602.

Submissions (2):

Baylor Genetics
Classification: Likely pathogenic for Citrullinemia, type II, adult-onset. Last evaluated: 2023-12-18. Review status: criteria provided, single submitter. Criteria: ACMG Guidelines, 2015. Collection method: clinical testing. Allele origin: unknown.

Labcorp Genetics (formerly Invitae), Labcorp
Classification: Pathogenic for Citrin deficiency. Last evaluated: 2020-05-14. Review status: criteria provided, single submitter. Criteria: Invitae Variant Classification Sherloc (09022015). Collection method: clinical testing. Allele origin: germline.
Comment: For these reasons, this variant has been classified as Pathogenic. Loss-of-function variants in SLC25A13 are known to be pathogenic (PMID: 10369257, 14680984, 27405544). This variant has not been reported in the literature in individuals with SLC25A13-related conditions. This variant is not present in population databases (ExAC no frequency). This sequence change creates a premature translational stop signal (p.Cys437*) in the SLC25A13 gene. It is expected to result in an absent or disrupted protein product.

Literature cited by the submitters: PubMed 10369257 (cited by Labcorp Genetics (formerly Invitae), Labcorp); PubMed 14680984 (cited by Labcorp Genetics (formerly Invitae), Labcorp); PubMed 27405544 (cited by Labcorp Genetics (formerly Invitae), Labcorp).